The following is an entry in ClinVar:

NM_001349.4(DARS1):c.1490A>C (p.Lys497Thr)

Gene: DARS1 (aspartyl-tRNA synthetase 1; minus strand). Cytogenetic location: 2q21.3.
Variant type: single nucleotide variant.
Coding change: c.1490A>C on transcript NM_001349.4 (MANE Select); coding-DNA position 1490, A replaced by C.
Protein change: p.Lys497Thr; replaces lysine 497 with threonine.
Molecular consequence: missense variant.
Genome position (GRCh38, 1-based): chr2:135,907,332, T>G on the plus strand (A>C on the coding strand, the complement: DARS1 is on the minus strand). VCF-style: chr2-135907332-T-G. GRCh37 (hg19) VCF-style: chr2-136664902-T-G.
Other names: c.1190A>C, p.Lys397Thr (NM_001293312.1); short protein forms K397T, K497T.
Identifiers: ClinVar variation 3080102 (VCV003080102.1), dbSNP rs1259765971, ClinGen allele CA348606684.

ClinVar aggregate classification (germline): Uncertain significance (1 of 4 stars; one submission).

Conditions:
Inborn genetic diseases. Identifiers: MedGen C0950123, MeSH D030342.

Submission:

Ambry Genetics
Classification: Uncertain significance for Inborn genetic diseases. Last evaluated: 2021-03-03. Review status: criteria provided, single submitter. Criteria: Ambry Variant Classification Scheme 2023. Collection method: clinical testing. Allele origin: germline.
Comment: The c.1490A>C (p.K497T) alteration is located in exon 16 (coding exon 16) of the DARS gene. This alteration results from a A to C substitution at nucleotide position 1490, causing the lysine (K) at amino acid position 497 to be replaced by a threonine (T). The p.K497T alteration is predicted to be tolerated by in silico analysis. Based on insufficient or conflicting evidence, the clinical significance of this alteration remains unclear.